The following is an entry in ClinVar:

NM_152631.3(FAM47B):c.711G>A (p.Pro237=)

Gene: FAM47B (family with sequence similarity 47 member B; plus strand). Cytogenetic location: Xp21.1.
Variant type: single nucleotide variant.
Coding change: c.711G>A on transcript NM_152631.3 (MANE Select); coding-DNA position 711, G replaced by A.
Protein change: p.Pro237=; no amino-acid change (proline 237 retained).
Molecular consequence: synonymous variant.
Genome position (GRCh38, 1-based): chrX:34,943,542, G>A. VCF-style: chrX-34943542-G-A. GRCh37 (hg19) VCF-style: chrX-34961659-G-A.
Identifiers: ClinVar variation 3042837 (VCV003042837.2), dbSNP rs756908073, ClinGen allele CA10380975.

ClinVar aggregate classification (germline): Likely benign (0 of 4 stars; one submission).

Conditions:
FAM47B-related disorder. Also called: FAM47B-related condition.

Allele frequency attached by ClinVar (database versions not stated): ExAC 0.00002; TOPMed 0.00005; gnomAD 0.00009; gnomAD exomes 0.00011.

Submission:

PreventionGenetics, part of Exact Sciences
Classification: Likely benign for FAM47B-related condition. Last evaluated: 2019-06-25. Review status: no assertion criteria provided. Collection method: clinical testing. Allele origin: germline.
Comment: This variant is classified as likely benign based on ACMG/AMP sequence variant interpretation guidelines (Richards et al. 2015 PMID: 25741868, with internal and published modifications).